The following is an entry in ClinVar:

ClinVar aggregate classification (germline): Conflicting classifications of pathogenicity. Review status: criteria provided, conflicting classifications (1 of 4 stars). 2 submissions from 2 submitters: Uncertain significance (1); Likely benign (1). Last evaluated 2024-02-26.

Conditions:
Inborn genetic diseases. Identifiers: MedGen C0950123, MeSH D030342.

Allele frequency attached by ClinVar (database versions not stated): gnomAD 0.00004.
gnomAD v4.1: 74 of 1,613,952 alleles (0.0046%); highest among the groups gnomAD compares: African/African-American, 0.0093%; no homozygotes.

Submissions (2):

Ambry Genetics
Classification: Likely benign for Inborn genetic diseases. Last evaluated: 2024-02-26. Review status: criteria provided, single submitter. Criteria: Ambry Variant Classification Scheme 2023. Collection method: clinical testing. Allele origin: germline.

Labcorp Genetics (formerly Invitae), Labcorp
Classification: Uncertain significance. Last evaluated: 2022-09-29. Review status: criteria provided, single submitter. Criteria: Invitae Variant Classification Sherloc (09022015). Collection method: clinical testing. Allele origin: germline.
Comment: In summary, the available evidence is currently insufficient to determine the role of this variant in disease. Therefore, it has been classified as a Variant of Uncertain Significance. Advanced modeling of protein sequence and biophysical properties (such as structural, functional, and spatial information, amino acid conservation, physicochemical variation, residue mobility, and thermodynamic stability) performed at Invitae indicates that this missense variant is not expected to disrupt AARS2 protein function. This variant has not been reported in the literature in individuals affected with AARS2-related conditions. This variant is present in population databases (rs777864781, gnomAD 0.01%). This sequence change replaces arginine, which is basic and polar, with glutamine, which is neutral and polar, at codon 812 of the AARS2 protein (p.Arg812Gln).

NM_020745.4(AARS2):c.2435G>A (p.Arg812Gln)

Gene: AARS2 (alanyl-tRNA synthetase 2, mitochondrial; minus strand). Cytogenetic location: 6p21.1.
Variant type: single nucleotide variant.
Coding change: c.2435G>A on transcript NM_020745.4 (MANE Select); coding-DNA position 2435, G replaced by A.
Protein change: p.Arg812Gln; replaces arginine 812 with glutamine.
Molecular consequence: missense variant.
Genome position (GRCh38, 1-based): chr6:44,302,443, C>T on the plus strand (G>A on the coding strand, the complement: AARS2 is on the minus strand). VCF-style: chr6-44302443-C-T. GRCh37 (hg19) VCF-style: chr6-44270180-C-T.
Other names: short protein forms R812Q.
Identifiers: ClinVar variation 2172094 (VCV002172094.5), dbSNP rs777864781, ClinGen allele CA3833983.